The following is an entry in ClinVar:

NM_031935.3(HMCN1):c.4715G>A (p.Arg1572Gln)

Gene: HMCN1 (hemicentin 1; plus strand). Cytogenetic location: 1q31.1.
Variant type: single nucleotide variant.
Coding change: c.4715G>A on transcript NM_031935.3 (MANE Select); coding-DNA position 4715, G replaced by A.
Protein change: p.Arg1572Gln; replaces arginine 1572 with glutamine.
Molecular consequence: missense variant.
Genome position (GRCh38, 1-based): chr1:186,015,243, G>A. VCF-style: chr1-186015243-G-A. GRCh37 (hg19) VCF-style: chr1-185984375-G-A.
Other names: c.4715G>A (NM_031935.2); short protein forms R1572Q.
Identifiers: ClinVar variation 2056329 (VCV002056329.8), dbSNP rs144433637, ClinGen allele CA1292085.

ClinVar aggregate classification (germline): Uncertain significance. Review status: criteria provided, multiple submitters, no conflicts (2 of 4 stars). 3 submissions from 3 submitters: Uncertain significance (3). Last evaluated 2026-01-06.

Conditions:
Age related macular degeneration 1 (ARMD1). Also called: MACULOPATHY, AGE-RELATED, 1. Identifiers: MedGen C1864205, MONDO:0011285, OMIM 603075.

Allele frequency attached by ClinVar (database versions not stated): ExAC 0.00006; gnomAD exomes 0.00006; gnomAD 0.00009; ESP Exome Variant Server 0.00015.
gnomAD v4.1: 106 of 1,613,610 alleles (0.0066%); highest among the groups gnomAD compares: Non-Finnish European, 0.0082%; no homozygotes.

Submissions (3):

Labcorp Genetics (formerly Invitae), Labcorp
Classification: Uncertain significance. Last evaluated: 2026-01-06. Review status: criteria provided, single submitter. Criteria: Invitae Variant Classification Sherloc (09022015). Collection method: clinical testing. Allele origin: germline.
Comment: This sequence change replaces arginine, which is basic and polar, with glutamine, which is neutral and polar, at codon 1572 of the HMCN1 protein (p.Arg1572Gln). This variant is present in population databases (rs144433637, gnomAD 0.02%). This variant has not been reported in the literature in individuals affected with HMCN1-related conditions. ClinVar contains an entry for this variant (Variation ID: 2056329). An algorithm developed to predict the effect of missense changes on protein structure and function (PolyPhen-2) suggests that this variant is likely to be disruptive. In summary, the available evidence is currently insufficient to determine the role of this variant in disease. Therefore, it has been classified as a Variant of Uncertain Significance.

Ambry Genetics
Classification: Uncertain significance. Last evaluated: 2025-06-26. Review status: criteria provided, single submitter. Criteria: Ambry Variant Classification Scheme 2023. Collection method: clinical testing. Allele origin: germline.

Genome-Nilou Lab
Classification: Uncertain significance for Age related macular degeneration 1. Last evaluated: 2023-04-11. Review status: criteria provided, single submitter. Criteria: ACMG Guidelines, 2015. Collection method: clinical testing. Allele origin: germline. Affected: no.